The following is an entry in ClinVar:

NC_000023.10:g.(?_31893285)_(31893510_?)dup

Gene: DMD (dystrophin; minus strand). Cytogenetic location: Xp21.1.
Variant type: Duplication.
Identifiers: ClinVar variation 2424945 (VCV002424945.2).

ClinVar aggregate classification (germline): Uncertain significance (1 of 4 stars; one submission).

Conditions:
Duchenne muscular dystrophy (DMD). Also called: Duchenne Muscular Dystrophy (DMD); MUSCULAR DYSTROPHY, PSEUDOHYPERTROPHIC PROGRESSIVE, DUCHENNE TYPE. Identifiers: Orphanet 98896, MedGen C0013264, MONDO:0010679, OMIM 310200.

Submission:

Labcorp Genetics (formerly Invitae), Labcorp
Classification: Uncertain significance for Duchenne muscular dystrophy. Last evaluated: 2021-04-09. Review status: criteria provided, single submitter. Criteria: Invitae Variant Classification Sherloc (09022015). Collection method: clinical testing. Allele origin: germline.
Comment: This variant results in a copy number gain of the genomic region encompassing exon(s) 48 of the DMD gene. While the exact position of this variant cannot be determined from the data, sub-genic copy number gains are generally in tandem (PMID: 25640679). This variant is predicted to be in-frame, and likely preserves the integrity of the reading frame. This variant has not been reported in the literature in individuals with DMD-related conditions. Experimental studies and prediction algorithms are not available or were not evaluated, and the functional significance of this variant is currently unknown. In summary, the available evidence is currently insufficient to determine the role of this variant in disease. Therefore, it has been classified as a Variant of Uncertain Significance.

Literature cited by the submitters: PubMed 25640679.